The following is an entry in ClinVar:

ClinVar aggregate classification (germline): Uncertain significance. Review status: criteria provided, multiple submitters, no conflicts (2 of 4 stars). 5 submissions from 5 submitters: Uncertain significance (5). Last evaluated 2026-08-17.

Conditions:
MPDZ-related disorder. Also called: MPDZ-related condition.
Inborn genetic diseases. Identifiers: MedGen C0950123, MeSH D030342.

Allele frequency attached by ClinVar (database versions not stated): gnomAD 0.00001; gnomAD exomes 0.00002; ExAC 0.00004; 1000 Genomes Project 30x 0.00016; 1000 Genomes Project 0.00020.
gnomAD v4.1: 33 of 1,613,752 alleles (0.002%); highest among the groups gnomAD compares: East Asian, 0.051%; no homozygotes.

Submissions (5):

PreventionGenetics, part of Exact Sciences
Classification: Uncertain significance for MPDZ-related condition. Last evaluated: 2026-08-17. Review status: criteria provided, single submitter. Criteria: ACMG Guidelines, 2015. Collection method: clinical testing. Allele origin: germline.
Comment: The MPDZ c.4145C>T variant is predicted to result in the amino acid substitution p.Pro1382Leu. To our knowledge, this variant has not been reported in the literature. This variant is reported in 0.028% of alleles in individuals of East Asian descent in gnomAD. At this time, the clinical significance of this variant is uncertain due to the absence of conclusive functional and genetic evidence.

Blueprint Genetics
Classification: Uncertain significance. Last evaluated: 2024-11-15. Review status: criteria provided, single submitter. Criteria: ACMG Guidelines, 2015. Collection method: clinical testing. Allele origin: germline.

Labcorp Genetics (formerly Invitae), Labcorp
Classification: Uncertain significance. Last evaluated: 2024-03-11. Review status: criteria provided, single submitter. Criteria: Invitae Variant Classification Sherloc (09022015). Collection method: clinical testing. Allele origin: germline.
Comment: This sequence change replaces proline, which is neutral and non-polar, with leucine, which is neutral and non-polar, at codon 1382 of the MPDZ protein (p.Pro1382Leu). This variant is present in population databases (rs145892665, gnomAD 0.03%). This variant has not been reported in the literature in individuals affected with MPDZ-related conditions. ClinVar contains an entry for this variant (Variation ID: 1467494). An algorithm developed to predict the effect of missense changes on protein structure and function (PolyPhen-2) suggests that this variant is likely to be disruptive. In summary, the available evidence is currently insufficient to determine the role of this variant in disease. Therefore, it has been classified as a Variant of Uncertain Significance.

Women's Health and Genetics/Laboratory Corporation of America, LabCorp
Classification: Uncertain significance. Last evaluated: 2023-11-17. Review status: criteria provided, single submitter. Criteria: LabCorp Variant Classification Summary - May 2015. Collection method: clinical testing. Allele origin: germline.
Comment: Variant summary: MPDZ c.4145C>T (p.Pro1382Leu) results in a non-conservative amino acid change located in the PDZ domain (IPR001478) of the encoded protein sequence. Four of five in-silico tools predict a damaging effect of the variant on protein function. The variant allele was found at a frequency of 2e-05 in 248912 control chromosomes (gnomAD). The available data on variant occurrences in the general population are insufficient to allow any conclusion about variant significance. To our knowledge, no occurrence of c.4145C>T in individuals affected with Autosomal Recessive Nonsyndromic Hydrocephalus and no experimental evidence demonstrating its impact on protein function have been reported. Two submitters have cited clinical-significance assessments for this variant to ClinVar after 2014. Both submitters classified the variant as uncertain significance. Based on the evidence outlined above, the variant was classified as uncertain significance.

Ambry Genetics
Classification: Uncertain significance for Inborn genetic diseases. Last evaluated: 2022-09-27. Review status: criteria provided, single submitter. Criteria: Ambry Variant Classification Scheme 2023. Collection method: clinical testing. Allele origin: germline.

NM_001378778.1(MPDZ):c.4145C>T (p.Pro1382Leu)

Gene: MPDZ (multiple PDZ domain crumbs cell polarity complex component; minus strand). Cytogenetic location: 9p23.
Variant type: single nucleotide variant.
Coding change: c.4145C>T on transcript NM_001378778.1 (MANE Select); coding-DNA position 4145, C replaced by T.
Protein change: p.Pro1382Leu; replaces proline 1382 with leucine.
Molecular consequence: missense variant.
Genome position (GRCh38, 1-based): chr9:13,138,012, G>A on the plus strand (C>T on the coding strand, the complement: MPDZ is on the minus strand). VCF-style: chr9-13138012-G-A. GRCh37 (hg19) VCF-style: chr9-13138011-G-A.
Other names: c.3935C>T, p.Pro1312Leu (NM_001375423.1, NM_001375424.1, NM_001375425.1 and 4 more transcripts); c.3737C>T, p.Pro1246Leu (NM_001375427.1); c.4145C>T, p.Pro1382Leu (NM_003829.5, NM_001330637.2, NM_001375413.1); c.4046C>T, p.Pro1349Leu (NM_001261406.2, NM_001261407.2, NM_001375416.1 and 3 more transcripts); c.4145C>T (NM_003829.3, NM_003829.4); short protein forms P1349L, P1382L, P1246L, P1312L.
Identifiers: ClinVar variation 1467494 (VCV001467494.12), dbSNP rs145892665, ClinGen allele CA4986826.